The following is an entry in ClinVar:

ClinVar aggregate classification (germline): Uncertain significance. Review status: criteria provided, multiple submitters, no conflicts (2 of 4 stars). 2 submissions from 2 submitters: Uncertain significance (2). Last evaluated 2025-12-12.

Conditions:
Dyskeratosis congenita, autosomal recessive 5 (DKCB5). Identifiers: MedGen C3554656, MONDO:0014076, OMIM 615190.
Pulmonary fibrosis and/or bone marrow failure, Telomere-related, 3. Also called: PULMONARY FIBROSIS AND/OR BONE MARROW FAILURE SYNDROME, TELOMERE-RELATED, 3. Identifiers: Orphanet 2032, MedGen C4225346, MONDO:0014613, OMIM 616373.

Allele frequency attached by ClinVar (database versions not stated): TOPMed 0.00001; ExAC 0.00003; gnomAD 0.00002.
gnomAD v4.1: 23 of 1,575,326 alleles (0.0015%); highest among the groups gnomAD compares: East Asian, 0.009%; no homozygotes.

Submissions (2):

Labcorp Genetics (formerly Invitae), Labcorp
Classification: Uncertain significance for Dyskeratosis congenita, autosomal recessive 5; Pulmonary fibrosis and/or bone marrow failure, Telomere-related, 3. Last evaluated: 2025-12-12. Review status: criteria provided, single submitter. Criteria: Invitae Variant Classification Sherloc (09022015). Collection method: clinical testing. Allele origin: germline.
Comment: This sequence change falls in intron 26 of the RTEL1 gene. It does not directly change the encoded amino acid sequence of the RTEL1 protein. It affects a nucleotide within the consensus splice site. The frequency data for this variant in the population databases is considered unreliable, as metrics indicate poor data quality at this position in the gnomAD database. This variant has not been reported in the literature in individuals affected with RTEL1-related conditions. ClinVar contains an entry for this variant (Variation ID: 1417708). Variants that disrupt the consensus splice site are a relatively common cause of aberrant splicing (PMID: 17576681, 9536098). Algorithms developed to predict the effect of sequence changes on RNA splicing suggest that this variant is not likely to affect RNA splicing. In summary, the available evidence is currently insufficient to determine the role of this variant in disease. Therefore, it has been classified as a Variant of Uncertain Significance.

Victorian Clinical Genetics Services, Murdoch Childrens Research Institute
Classification: Uncertain significance for Dyskeratosis congenita, autosomal recessive 5. Last evaluated: 2022-09-02. Review status: criteria provided, single submitter. Criteria: ACMG Guidelines, 2015. Collection method: clinical testing. Allele origin: germline. Inheritance: Autosomal recessive inheritance. Affected: yes.
Comment: Based on the classification scheme VCGS_Germline_v1.3.4, this variant is classified as VUS-3B. Following criteria are met: 0102 - Loss of function is a known mechanism of disease in this gene and is associated with autosomal dominant and recessive dyskeratosis congenita 4 and 5 (MIM#615190) and pulmonary fibrosis and/or bone marrow failure, telomere-related, 3 (MIM#616373). (I) 0108 - This gene is associated with both recessive and dominant disease (OMIM). (I) 0112 - The condition associated with this gene have incomplete penetrance. This has been reported for individuals with pulmonary fibrosis (PMID: 25848748, OMIM). (I) 0212 - Non-canonical splice site variant without proven consequence on splicing (no functional evidence available). (SP) 0252 - This variant is homozygous. (I) 0304 - Variant is present in gnomAD (v2) <0.01 (6 heterozygotes, 0 homozygotes). (SP) 0311 - An alternative nucleotide change at the same canonical splice site, is present in gnomAD (v2) (1 heterozygote, 0 homozygotes). (I) 0506 - Abnormal splicing is not predicted and nucleotide is poorly conserved. (SB) 0710 - Another splice variant comparable to the one identified in this case has inconclusive previous evidence for pathogenicity. This alternative change (c.2413+5G>C) has been reported as a VUS (ClinVar). (I) 0809 - Previous evidence of pathogenicity for this variant is inconclusive. This variant has been reported as a VUS (ClinVar, LOVD). (I) 0905 - No published segregation evidence has been identified for this variant. (I) 1007 - No published functional evidence has been identified for this variant. (I) 1208 - Inheritance information for this variant is not currently available in this individual. (I) Legend: (SP) - Supporting pathogenic, (I) - Information, (SB) - Supporting benign

Literature cited by the submitters: PubMed 17576681 (cited by Labcorp Genetics (formerly Invitae), Labcorp); PubMed 9536098 (cited by Labcorp Genetics (formerly Invitae), Labcorp); PubMed 25848748 (cited by Victorian Clinical Genetics Services, Murdoch Childrens Research Institute).

NM_001283009.2(RTEL1):c.2413+5G>A

Genes: RTEL1 (regulator of telomere elongation helicase 1; plus strand), RTEL1-TNFRSF6B (RTEL1-TNFRSF6B readthrough (NMD candidate); plus strand). Cytogenetic location: 20q13.33.
Variant type: single nucleotide variant.
Coding change: c.2413+5G>A on transcript NM_001283009.2 (MANE Select); 5 bases into the intron after coding-DNA position 2413, G replaced by A.
Molecular consequence: intron variant.
Genome position (GRCh38, 1-based): chr20:63,690,446, G>A. VCF-style: chr20-63690446-G-A. GRCh37 (hg19) VCF-style: chr20-62321799-G-A.
Other names: c.1744+5G>A (NM_001283010.1); c.2485+5G>A (NM_032957.5); c.2413+5G>A (NM_016434.4, NM_001283009.1).
Identifiers: ClinVar variation 1417708 (VCV001417708.6), dbSNP rs750836127, ClinGen allele CA9965317.